The following is an entry in ClinVar:

NM_001291415.2(KDM6A):c.1751C>A (p.Ser584Ter)

Gene: KDM6A (lysine demethylase 6A; plus strand). Cytogenetic location: Xp11.3.
Variant type: single nucleotide variant.
Coding change: c.1751C>A on transcript NM_001291415.2 (MANE Select); coding-DNA position 1751, C replaced by A.
Protein change: p.Ser584Ter; replaces serine 584 with a stop codon.
Molecular consequence: nonsense. On other transcripts: non-coding transcript variant (1).
Genome position (GRCh38, 1-based): chrX:45,063,489, C>A. VCF-style: chrX-45063489-C-A. GRCh37 (hg19) VCF-style: chrX-44922734-C-A.
Other names: c.1616C>A, p.Ser539Ter (NM_001291416.2, NM_001419811.1); c.1460C>A, p.Ser487Ter (NM_001291417.2); c.1358C>A, p.Ser453Ter (NM_001291418.2, NM_001419815.1); c.707C>A, p.Ser236Ter (NM_001291421.2); c.1493C>A, p.Ser498Ter (NM_001410742.1, NM_001419814.1); c.1751C>A, p.Ser584Ter (NM_001419809.1); c.1649C>A, p.Ser550Ter (NM_001419810.1, NM_001419813.1); c.1595C>A, p.Ser532Ter (NM_001419812.1, NM_021140.4); short protein forms S236*, S453*, S487*, S498*, S532*, S539*, S550*, S584*.
Identifiers: ClinVar variation 4856020 (VCV004856020.1).

ClinVar aggregate classification (germline): Likely pathogenic (1 of 4 stars; one submission).

Conditions:
Kabuki syndrome 2 (KABUK2). Also called: KDM6A-Related Kabuki Syndrome. Identifiers: Orphanet 2322, MedGen C3275495, MONDO:0010465, OMIM 300867.

Submission:

3billion
Classification: Likely pathogenic for Kabuki syndrome 2. Last evaluated: 2026-01-15. Review status: criteria provided, single submitter. Criteria: ACMG Guidelines, 2015. Collection method: clinical testing. Allele origin: germline. Affected: yes.
Comment: The variant is not observed in the gnomAD v4.1.0 dataset. Predicted Consequence/Location: Stop-gained (nonsense): predicted to result in a loss or disruption of normal protein function through nonsense-mediated decay (NMD) or protein truncation. Multiple pathogenic variants are reported downstream of the variant. Therefore, this variant is classified as Likely pathogenic according to the recommendation of ACMG/AMP guideline.